The following is an entry in ClinVar:

ClinVar aggregate classification (germline): Pathogenic (1 of 4 stars; one submission).

Conditions:
Neurofibromatosis, type 2 (SWNV). Also called: SCHWANNOMATOSIS, VESTIBULAR; BILATERAL ACOUSTIC NEUROFIBROMATOSIS; NF2-Related Schwannomatosis. Identifiers: Orphanet 637, MedGen C0027832, MONDO:0007039, OMIM 101000. Disease mechanism: loss of function.

Submission:

Labcorp Genetics (formerly Invitae), Labcorp
Classification: Pathogenic for Neurofibromatosis, type 2. Last evaluated: 2022-05-19. Review status: criteria provided, single submitter. Criteria: Invitae Variant Classification Sherloc (09022015). Collection method: clinical testing. Allele origin: germline.
Comment: This sequence change creates a premature translational stop signal (p.Lys269*) in the NF2 gene. It is expected to result in an absent or disrupted protein product. Loss-of-function variants in NF2 are known to be pathogenic (PMID: 9643284, 16983642). This variant is not present in population databases (gnomAD no frequency). This premature translational stop signal has been observed in individual(s) with neurofibromatosis type 2 (PMID: 11085592). For these reasons, this variant has been classified as Pathogenic.

Literature cited by the submitters: PubMed 9643284; PubMed 16983642; PubMed 11085592.

NM_000268.4(NF2):c.805A>T (p.Lys269Ter)

Gene: NF2 (NF2, moesin-ezrin-radixin like (MERLIN) tumor suppressor; plus strand). Cytogenetic location: 22q12.2.
Variant type: single nucleotide variant.
Coding change: c.805A>T on transcript NM_000268.4 (MANE Select); coding-DNA position 805, A replaced by T.
Protein change: p.Lys269Ter; replaces lysine 269 with a stop codon.
Molecular consequence: nonsense. On other transcripts: non-coding transcript variant (1), intron variant (1).
Genome position (GRCh38, 1-based): chr22:29,661,334, A>T. VCF-style: chr22-29661334-A-T. GRCh37 (hg19) VCF-style: chr22-30057323-A-T.
Other names: c.691A>T, p.Lys231Ter (NM_001407053.1, NM_001407056.1); c.682A>T, p.Lys228Ter (NM_001407054.1, NM_001407058.1, NM_181829.3); c.679A>T, p.Lys227Ter (NM_001407055.1, NM_181828.3); c.805A>T, p.Lys269Ter (NM_001407060.1, NM_001407066.1, NM_016418.5 and 2 more transcripts); c.556A>T, p.Lys186Ter (NM_001407063.1, NM_001407064.1, NM_181830.3 and 1 more transcripts); c.271A>T, p.Lys91Ter (NM_001407065.1); c.574A>T, p.Lys192Ter (NM_001407067.1); c.447+19049A>T (NM_181833.3); short protein forms K186*, K227*, K228*, K192*, K269*, K91*, K231*.
Identifiers: ClinVar variation 2138432 (VCV002138432.4), dbSNP rs2147011325, ClinGen allele CA411144200.